The following is an entry in ClinVar:

NM_020919.4(ALS2):c.3394C>T (p.Arg1132Cys)

Gene: ALS2 (alsin Rho guanine nucleotide exchange factor ALS2; minus strand). Cytogenetic location: 2q33.1.
Variant type: single nucleotide variant.
Coding change: c.3394C>T on transcript NM_020919.4 (MANE Select); coding-DNA position 3394, C replaced by T.
Protein change: p.Arg1132Cys; replaces arginine 1132 with cysteine.
Molecular consequence: missense variant.
Genome position (GRCh38, 1-based): chr2:201,724,413, G>A on the plus strand (C>T on the coding strand, the complement: ALS2 is on the minus strand). VCF-style: chr2-201724413-G-A. GRCh37 (hg19) VCF-style: chr2-202589136-G-A.
Other names: p.Arg1132Cys; short protein forms R1132C.
Identifiers: ClinVar variation 895079 (VCV000895079.12), dbSNP rs149670991, ClinGen allele CA2057891.
Genomic context (GRCh38, chr2:201,724,413, plus strand): 5'-TGAACATACTAGGAGAAGAGGACGTCAATTTCCCACTTCGTAGAAGACCATGACCATGAC[G>A]CATATTATCTTGAAAACAGCCCTCAAATACTTCACCAGAAGCATAGCTGTGGTTGGAAAG-3'
Protein context (NP_065970.2, residues 1122-1142): VFEGCFQDNM[Arg1132Cys]HGHGLLRSGK

ClinVar aggregate classification (germline): Uncertain significance. Review status: criteria provided, multiple submitters, no conflicts (2 of 4 stars). 4 submissions from 3 submitters: Uncertain significance (4). Last evaluated 2025-09-18.

Conditions:
Infantile-onset ascending hereditary spastic paralysis (IAHSP). Also called: Autosomal Recessive Juvenile Amyotrophic Lateral Sclerosis; Infantile-Onset Ascending Hereditary Spastic Paralysis (IAHSP). Identifiers: Orphanet 293168, MedGen C2931441, MONDO:0011797, OMIM 607225. Disease mechanism: loss of function.
ALS2-related disorder. Also called: ALS2-related disorders; ALS2-related condition; ALS2-Related Spectrum Disorders. Identifiers: MedGen CN169291.
Amyotrophic lateral sclerosis type 2, juvenile. Also called: ALS, JUVENILE; Amyotrophic lateral sclerosis type 2. Identifiers: Orphanet 300605, MedGen C1859807, MONDO:0008780, OMIM 205100.

Allele frequency attached by ClinVar (database versions not stated): ExAC 0.00002; gnomAD 0.00002; gnomAD exomes 0.00001; TOPMed 0.00003; 1000 Genomes Project 30x 0.00016; 1000 Genomes Project 0.00020.
gnomAD v4.1: 27 of 1,613,904 alleles (0.0017%); highest among the groups gnomAD compares: East Asian, 0.011%; no homozygotes.

Submissions (4):

Mayo Clinic Laboratories, Mayo Clinic
Classification: Uncertain significance. Last evaluated: 2025-09-18. Review status: criteria provided, single submitter. Criteria: ACMG Guidelines, 2015. Collection method: clinical testing. Allele origin: germline. Observed: 1 variant allele.
Comment: PM2_supporting

Labcorp Genetics (formerly Invitae), Labcorp
Classification: Uncertain significance for Infantile-onset ascending hereditary spastic paralysis. Last evaluated: 2022-02-10. Review status: criteria provided, single submitter. Criteria: Invitae Variant Classification Sherloc (09022015). Collection method: clinical testing. Allele origin: germline.
Comment: In summary, the available evidence is currently insufficient to determine the role of this variant in disease. Therefore, it has been classified as a Variant of Uncertain Significance. Algorithms developed to predict the effect of missense changes on protein structure and function (SIFT, PolyPhen-2, Align-GVGD) all suggest that this variant is likely to be disruptive. ClinVar contains an entry for this variant (Variation ID: 895079). This variant has not been reported in the literature in individuals affected with ALS2-related conditions. This variant is present in population databases (rs149670991, gnomAD 0.005%). This sequence change replaces arginine, which is basic and polar, with cysteine, which is neutral and slightly polar, at codon 1132 of the ALS2 protein (p.Arg1132Cys).

Illumina Laboratory Services, Illumina
Classification: Uncertain significance for Amyotrophic lateral sclerosis type 2. Last evaluated: 2018-01-13. Review status: criteria provided, single submitter. Criteria: ICSL Variant Classification Criteria 13 December 2019. Collection method: clinical testing. Allele origin: germline.

Illumina Laboratory Services, Illumina
Classification: Uncertain significance for ALS2-Related Disorders. Last evaluated: 2018-01-13. Review status: criteria provided, single submitter. Criteria: ICSL Variant Classification Criteria 13 December 2019. Collection method: clinical testing. Allele origin: germline.

Literature cited by the submitters: PubMed 34544842 (cited by Mayo Clinic Laboratories, Mayo Clinic).